The following is an entry in ClinVar:

ClinVar aggregate classification (germline): Uncertain significance (1 of 4 stars; one submission).

gnomAD v4.1: 1 of 1,610,674 alleles (0.000062%); no homozygotes.

Submission:

Ambry Genetics
Classification: Uncertain significance. Last evaluated: 2026-08-10. Review status: criteria provided, single submitter. Criteria: Ambry Variant Classification Scheme 2023. Collection method: clinical testing. Allele origin: germline.
Comment: The p.S863C variant (also known as c.2588C>G), located in coding exon 6 of the CDK12 gene, results from a C to G substitution at nucleotide position 2588. The serine at codon 863 is replaced by cysteine, an amino acid with dissimilar properties. This amino acid position is conserved. In addition, this alteration is predicted to be deleterious by in silico analysis. Based on the available evidence, the clinical significance of this variant remains unclear.

NM_016507.4(CDK12):c.2588C>G (p.Ser863Cys)

Gene: CDK12 (cyclin dependent kinase 12; plus strand). Cytogenetic location: 17q12.
Variant type: single nucleotide variant.
Coding change: c.2588C>G on transcript NM_016507.4 (MANE Select); coding-DNA position 2588, C replaced by G.
Protein change: p.Ser863Cys; replaces serine 863 with cysteine.
Molecular consequence: missense variant.
Genome position (GRCh38, 1-based): chr17:39,501,418, C>G. VCF-style: chr17-39501418-C-G. GRCh37 (hg19) VCF-style: chr17-37657671-C-G.
Other names: c.2588C>G, p.Ser863Cys (NM_015083.4); short protein forms S863C.
Identifiers: ClinVar variation 5034145 (VCV005034145.1).
Genomic context (GRCh38, chr17:39,501,418, plus strand): 5'-TAATGGAAGGATTGGAATACTGTCACAAAAAGAATTTCCTGCATCGGGATATTAAGTGTT[C>G]TAACATTTTGCTGAATAACAGGTAACATAGTAACCAAATAAGATTAAGCACTTTCCTCTT-3'
Protein context (NP_057591.2, residues 853-873): KNFLHRDIKC[Ser863Cys]NILLNNSGQI